The following is an entry in ClinVar:

NM_001127198.5(TMC6):c.243C>G (p.Ile81Met)

Gene: TMC6 (transmembrane channel like 6; minus strand). Cytogenetic location: 17q25.3.
Variant type: single nucleotide variant.
Coding change: c.243C>G on transcript NM_001127198.5 (MANE Select); coding-DNA position 243, C replaced by G.
Protein change: p.Ile81Met; replaces isoleucine 81 with methionine.
Molecular consequence: missense variant. On other transcripts: non-coding transcript variant (4).
Genome position (GRCh38, 1-based): chr17:78,126,305, G>C on the plus strand (C>G on the coding strand, the complement: TMC6 is on the minus strand). VCF-style: chr17-78126305-G-C. GRCh37 (hg19) VCF-style: chr17-76122386-G-C.
Other names: c.243C>G, p.Ile81Met (NM_001321185.1, NM_001374593.1, NM_001374594.1 and 4 more transcripts); short protein forms I81M.
Identifiers: ClinVar variation 1469125 (VCV001469125.6), dbSNP rs777740333, ClinGen allele CA401236025.

ClinVar aggregate classification (germline): Uncertain significance (1 of 4 stars; one submission).

Conditions:
Epidermodysplasia verruciformis. Identifiers: Orphanet 302, MedGen C0014522, MONDO:0009176.

Allele frequency attached by ClinVar (database versions not stated): TOPMed below 0.00001.
gnomAD v4.1: 4 of 1,566,302 alleles (0.00026%); highest among the groups gnomAD compares: Non-Finnish European, 0.00034%; no homozygotes.

Submission:

Labcorp Genetics (formerly Invitae), Labcorp
Classification: Uncertain significance for Epidermodysplasia verruciformis. Last evaluated: 2023-12-11. Review status: criteria provided, single submitter. Criteria: Invitae Variant Classification Sherloc (09022015). Collection method: clinical testing. Allele origin: germline.
Comment: This sequence change replaces isoleucine, which is neutral and non-polar, with methionine, which is neutral and non-polar, at codon 81 of the TMC6 protein (p.Ile81Met). This variant is not present in population databases (gnomAD no frequency). This variant has not been reported in the literature in individuals affected with TMC6-related conditions. ClinVar contains an entry for this variant (Variation ID: 1469125). An algorithm developed to predict the effect of missense changes on protein structure and function (PolyPhen-2) suggests that this variant is likely to be disruptive. In summary, the available evidence is currently insufficient to determine the role of this variant in disease. Therefore, it has been classified as a Variant of Uncertain Significance.